The following is an entry in ClinVar:

NC_000003.12:g.169764869G>A

Genes: TERC (telomerase RNA component; minus strand), LOC110806306 (telomerase RNA component (TERC) promoter; plus strand). Cytogenetic location: 3q26.2.
Variant type: single nucleotide variant.
Genome position: GRCh38 VCF-style: chr3-169764869-G-A. GRCh37 (hg19) VCF-style: chr3-169482657-G-A.
Identifiers: ClinVar variation 960014 (VCV000960014.8), dbSNP rs1383015695, ClinGen allele CA436715463.

ClinVar aggregate classification (germline): Uncertain significance (1 of 4 stars; one submission).

Conditions:
Dyskeratosis congenita, autosomal dominant 1 (DKCA1). Also called: Dyskeratosis congenita Scoggins type. Identifiers: Orphanet 1775, MedGen C4551974, MONDO:0007485, OMIM 127550. Inheritance: Variable.

Allele frequency attached by ClinVar (database versions not stated): gnomAD exomes below 0.00001 and 0.00001.
gnomAD v4.1: 3 of 758,194 alleles (0.0004%); highest among the groups gnomAD compares: Admixed American, 0.0017%; no homozygotes.

Submission:

Labcorp Genetics (formerly Invitae), Labcorp
Classification: Uncertain significance for Dyskeratosis congenita, autosomal dominant 1. Last evaluated: 2024-04-30. Review status: criteria provided, single submitter. Criteria: Invitae Variant Classification Sherloc (09022015). Collection method: clinical testing. Allele origin: germline.
Comment: This variant occurs in the TERC gene, which encodes an RNA molecule that does not result in a protein product. The frequency data for this variant in the population databases is considered unreliable, as metrics indicate poor data quality at this position in the gnomAD database. This variant has not been reported in the literature in individuals affected with TERC-related conditions. ClinVar contains an entry for this variant (Variation ID: 960014). This variant is located within the hypervariable region that is not conserved in the TERC RNA component (PMID: 10721988, 21844345). The functional significance of this region is not well understood. In summary, the available evidence is currently insufficient to determine the role of this variant in disease. Therefore, it has been classified as a Variant of Uncertain Significance.

Literature cited by the submitters: PubMed 10721988; PubMed 21844345.